The following is an entry in ClinVar:

NM_001378454.1(ALMS1):c.6125C>T (p.Thr2042Ile)

Gene: ALMS1 (ALMS1 centrosome and basal body associated protein; plus strand). Cytogenetic location: 2p13.1.
Variant type: single nucleotide variant.
Coding change: c.6125C>T on transcript NM_001378454.1 (MANE Select); coding-DNA position 6125, C replaced by T.
Protein change: p.Thr2042Ile; replaces threonine 2042 with isoleucine.
Molecular consequence: missense variant.
Genome position (GRCh38, 1-based): chr2:73,452,652, C>T. VCF-style: chr2-73452652-C-T. GRCh37 (hg19) VCF-style: chr2-73679779-C-T.
Other names: c.6128C>T, p.Thr2043Ile (NM_015120.4); short protein forms T2043I, T2042I.
Identifiers: ClinVar variation 2182653 (VCV002182653.1), dbSNP rs756560368, ClinGen allele CA1714009.

ClinVar aggregate classification (germline): Uncertain significance (1 of 4 stars; one submission).

Conditions:
Alstrom syndrome (ALMS). Identifiers: Orphanet 64, MedGen C0268425, MONDO:0008763, OMIM 203800.

Allele frequency attached by ClinVar (database versions not stated): gnomAD exomes 0.00001; ExAC 0.00002.
gnomAD v4.1: 16 of 1,613,988 alleles (0.00099%); highest among the groups gnomAD compares: South Asian, 0.018%; no homozygotes.

Submission:

Labcorp Genetics (formerly Invitae), Labcorp
Classification: Uncertain significance for Alstrom syndrome. Last evaluated: 2022-06-07. Review status: criteria provided, single submitter. Criteria: Invitae Variant Classification Sherloc (09022015). Collection method: clinical testing. Allele origin: germline.
Comment: This sequence change replaces threonine, which is neutral and polar, with isoleucine, which is neutral and non-polar, at codon 2043 of the ALMS1 protein (p.Thr2043Ile). This variant is present in population databases (rs756560368, gnomAD 0.02%). This variant has not been reported in the literature in individuals affected with ALMS1-related conditions. Experimental studies and prediction algorithms are not available or were not evaluated, and the functional significance of this variant is currently unknown. In summary, the available evidence is currently insufficient to determine the role of this variant in disease. Therefore, it has been classified as a Variant of Uncertain Significance.